The following is an entry in ClinVar:

NM_002796.3(PSMB4):c.466G>C (p.Val156Leu)

Gene: PSMB4 (proteasome 20S subunit beta 4; plus strand). Cytogenetic location: 1q21.3.
Variant type: single nucleotide variant.
Coding change: c.466G>C on transcript NM_002796.3 (MANE Select); coding-DNA position 466, G replaced by C.
Protein change: p.Val156Leu; replaces valine 156 with leucine.
Molecular consequence: missense variant.
Genome position (GRCh38, 1-based): chr1:151,400,560, G>C. VCF-style: chr1-151400560-G-C. GRCh37 (hg19) VCF-style: chr1-151373036-G-C.
Other names: c.466G>C (NM_002796.2); short protein forms V156L.
Identifiers: ClinVar variation 1035677 (VCV001035677.11), dbSNP rs371316814, ClinGen allele CA29563602.

ClinVar aggregate classification (germline): Uncertain significance. Review status: criteria provided, multiple submitters, no conflicts (2 of 4 stars). 2 submissions from 2 submitters: Uncertain significance (2). Last evaluated 2025-02-07.

Allele frequency attached by ClinVar (database versions not stated): TOPMed below 0.00001.

Submissions (2):

Ambry Genetics
Classification: Uncertain significance. Last evaluated: 2025-02-07. Review status: criteria provided, single submitter. Criteria: Ambry Variant Classification Scheme 2023. Collection method: clinical testing. Allele origin: germline.

Labcorp Genetics (formerly Invitae), Labcorp
Classification: Uncertain significance. Last evaluated: 2024-09-13. Review status: criteria provided, single submitter. Criteria: Invitae Variant Classification Sherloc (09022015). Collection method: clinical testing. Allele origin: germline.
Comment: This sequence change replaces valine, which is neutral and non-polar, with leucine, which is neutral and non-polar, at codon 156 of the PSMB4 protein (p.Val156Leu). This variant is not present in population databases (gnomAD no frequency). This variant has not been reported in the literature in individuals affected with PSMB4-related conditions. ClinVar contains an entry for this variant (Variation ID: 1035677). An algorithm developed to predict the effect of missense changes on protein structure and function (PolyPhen-2) suggests that this variant is likely to be tolerated. In summary, the available evidence is currently insufficient to determine the role of this variant in disease. Therefore, it has been classified as a Variant of Uncertain Significance.